The following is an entry in ClinVar:

NM_000170.3(GLDC):c.2215C>T (p.Arg739Cys)

Gene: GLDC (glycine decarboxylase; minus strand). Cytogenetic location: 9p24.1.
Variant type: single nucleotide variant.
Coding change: c.2215C>T on transcript NM_000170.3 (MANE Select); coding-DNA position 2215, C replaced by T.
Protein change: p.Arg739Cys; replaces arginine 739 with cysteine.
Molecular consequence: missense variant.
Genome position (GRCh38, 1-based): chr9:6,554,769, G>A on the plus strand (C>T on the coding strand, the complement: GLDC is on the minus strand). VCF-style: chr9-6554769-G-A. GRCh37 (hg19) VCF-style: chr9-6554769-G-A.
Other names: short protein forms R739C.
Identifiers: ClinVar variation 1490298 (VCV001490298.9), dbSNP rs148775220, ClinGen allele CA4980328.

ClinVar aggregate classification (germline): Conflicting classifications of pathogenicity. Review status: criteria provided, conflicting classifications (1 of 4 stars). 4 submissions from 4 submitters: Likely pathogenic (2); Uncertain significance (2). Last evaluated 2026-05-29.

Conditions:
Glycine encephalopathy. Also called: Non-ketotic hyperglycinemia; Nonketotic hyperglycinemia. Identifiers: Orphanet 407, MedGen C0751748, MONDO:0011612, HP:0008288.
Glycine encephalopathy 1 (GCE1). Identifiers: MedGen CN376801, MONDO:0958179, OMIM 605899.

Allele frequency attached by ClinVar (database versions not stated): gnomAD exomes 0.00002; ExAC 0.00004; gnomAD 0.00007 and 0.00009; TOPMed 0.00010; ESP Exome Variant Server 0.00015.
gnomAD v4.1: 39 of 1,612,196 alleles (0.0024%); highest among the groups gnomAD compares: African/African-American, 0.013%; no homozygotes.

Submissions (4):

Myriad Genetics, Inc.
Classification: Uncertain significance for Glycine encephalopathy 1. Last evaluated: 2026-05-29. Review status: criteria provided, single submitter. Criteria: Myriad Autosomal Dominant, Autosomal Recessive and X-Linked Classification Criteria (2023). Collection method: clinical testing. Allele origin: unknown.
Comment: NM_000170.2(GLDC):c.2215C>T(R739C) is undefined variant classified as a variant of uncertain significance in the context of glycine encephalopathy, GLDC-related. R739C has not been observed in cases with relevant disease. Relevant functional assessments of this variant are not available in the literature. R739C has been observed in referenced population frequency databases. In summary, there is insufficient evidence to classify NM_000170.2(GLDC):c.2215C>T(R739C) as pathogenic or benign. Please note: this variant was assessed in the context of healthy population screening.

Labcorp Genetics (formerly Invitae), Labcorp
Classification: Likely pathogenic for Glycine encephalopathy. Last evaluated: 2026-01-09. Review status: criteria provided, single submitter. Criteria: Invitae Variant Classification Sherloc (09022015). Collection method: clinical testing. Allele origin: germline.
Comment: This sequence change replaces arginine, which is basic and polar, with cysteine, which is neutral and slightly polar, at codon 739 of the GLDC protein (p.Arg739Cys). This variant is present in population databases (rs148775220, gnomAD 0.02%). This variant has not been reported in the literature in individuals affected with GLDC-related conditions. ClinVar contains an entry for this variant (Variation ID: 1490298). Invitae Evidence Modeling of protein sequence and biophysical properties (such as structural, functional, and spatial information, amino acid conservation, physicochemical variation, residue mobility, and thermodynamic stability) indicates that this missense variant is expected to disrupt GLDC protein function with a positive predictive value of 95%. This variant disrupts the p.Arg739 amino acid residue in GLDC. Other variant(s) that disrupt this residue have been determined to be pathogenic (PMID: 15824356; internal data). This suggests that this residue is clinically significant, and that variants that disrupt this residue are likely to be disease-causing. In summary, the currently available evidence indicates that the variant is pathogenic, but additional data are needed to prove that conclusively. Therefore, this variant has been classified as Likely Pathogenic.

First Genomix Gene Laboratory, Genetic Diagnostics Department
Classification: Likely pathogenic for Glycine encephalopathy 1. Last evaluated: 2025-03-25. Review status: criteria provided, single submitter. Criteria: ACMG Guidelines, 2015. Collection method: clinical testing. Allele origin: germline. Inheritance: Autosomal recessive inheritance. Affected: no. Observed: 1 variant allele.

Blueprint Genetics
Classification: Uncertain significance. Last evaluated: 2023-08-24. Review status: criteria provided, single submitter. Criteria: ACMG Guidelines, 2015. Collection method: clinical testing. Allele origin: germline.

Literature cited by the submitters: PubMed 15824356 (cited by Labcorp Genetics (formerly Invitae), Labcorp).